The following is an entry in ClinVar:

NM_000059.4(BRCA2):c.5558G>A (p.Cys1853Tyr)

Gene: BRCA2 (BRCA2 DNA repair associated; plus strand). Cytogenetic location: 13q13.1.
Variant type: single nucleotide variant.
Coding change: c.5558G>A on transcript NM_000059.4 (MANE Select); coding-DNA position 5558, G replaced by A.
Protein change: p.Cys1853Tyr; replaces cysteine 1853 with tyrosine.
Molecular consequence: missense variant.
Genome position (GRCh38, 1-based): chr13:32,339,913, G>A. VCF-style: chr13-32339913-G-A. GRCh37 (hg19) VCF-style: chr13-32914050-G-A.
Other names: short protein forms C1853Y.
Identifiers: ClinVar variation 1014602 (VCV001014602.13), dbSNP rs2072532051, ClinGen allele CA387785968.

ClinVar aggregate classification (germline): Conflicting classifications of pathogenicity. Review status: criteria provided, conflicting classifications (1 of 4 stars). 3 submissions from 3 submitters: Uncertain significance (2); Likely benign (1). Last evaluated 2025-10-30.

Conditions:
Hereditary cancer-predisposing syndrome. Also called: Hereditary Cancer Syndrome; Tumor predisposition; Neoplastic Syndromes, Hereditary; Hereditary neoplastic syndrome. Identifiers: Orphanet 140162, MedGen C0027672, MeSH D009386, MONDO:0015356.
Hereditary breast ovarian cancer syndrome. Also called: Hereditary breast and ovarian cancer syndrome (HBOC); Hereditary breast and/or ovarian cancer syndrome; BRCA1- and BRCA2-Associated Hereditary Breast and Ovarian Cancer; Hereditary breast and ovarian cancer syndrome; Hereditary breast and ovarian cancer; Breast and ovarian cancer. Identifiers: Orphanet 145, MedGen C0677776, MeSH D061325, MONDO:0003582. Disease mechanism: loss of function.

Submissions (3):

Ambry Genetics
Classification: Uncertain significance for Hereditary cancer-predisposing syndrome. Last evaluated: 2025-10-30. Review status: criteria provided, single submitter. Criteria: Ambry Variant Classification Scheme 2023. Collection method: clinical testing. Allele origin: germline.
Comment: The p.C1853Y variant (also known as c.5558G>A), located in coding exon 10 of the BRCA2 gene, results from a G to A substitution at nucleotide position 5558. The cysteine at codon 1853 is replaced by tyrosine, an amino acid with highly dissimilar properties. This amino acid position is poorly conserved in available vertebrate species. In addition, this alteration is predicted to be tolerated by in silico analysis. Since supporting evidence is limited at this time, the clinical significance of this alteration remains unclear.

Labcorp Genetics (formerly Invitae), Labcorp
Classification: Uncertain significance for Hereditary breast ovarian cancer syndrome. Last evaluated: 2024-03-06. Review status: criteria provided, single submitter. Criteria: Invitae Variant Classification Sherloc (09022015). Collection method: clinical testing. Allele origin: germline.
Comment: This sequence change replaces cysteine, which is neutral and slightly polar, with tyrosine, which is neutral and polar, at codon 1853 of the BRCA2 protein (p.Cys1853Tyr). This variant is not present in population databases (gnomAD no frequency). This variant has not been reported in the literature in individuals affected with BRCA2-related conditions. ClinVar contains an entry for this variant (Variation ID: 1014602). Advanced modeling of protein sequence and biophysical properties (such as structural, functional, and spatial information, amino acid conservation, physicochemical variation, residue mobility, and thermodynamic stability) performed at Invitae indicates that this missense variant is not expected to disrupt BRCA2 protein function with a negative predictive value of 95%. In summary, the available evidence is currently insufficient to determine the role of this variant in disease. Therefore, it has been classified as a Variant of Uncertain Significance.

University of Washington Department of Laboratory Medicine, University of Washington
Classification: Likely benign for Hereditary cancer-predisposing syndrome. Last evaluated: 2023-03-23. Review status: criteria provided, single submitter. Criteria: Dines et al. (Genet Med. 2020). Collection method: curation. Allele origin: germline.
Comment: Missense variant in a coldspot region where missense variants are very unlikely to be pathogenic (PMID:31911673).

BRCA2 exon 11 coldspot. Reclassification based on statistical prior probability.